The following is an entry in ClinVar:

NM_005188.4(CBL):c.108C>G (p.His36Gln)

Genes: CBL (Cbl proto-oncogene; plus strand), LOC130006895 (ATAC-STARR-seq lymphoblastoid silent region 3975; plus strand). Cytogenetic location: 11q23.3.
Variant type: single nucleotide variant.
Coding change: c.108C>G on transcript NM_005188.4 (MANE Select); coding-DNA position 108, C replaced by G.
Protein change: p.His36Gln; replaces histidine 36 with glutamine.
Molecular consequence: missense variant.
Genome position (GRCh38, 1-based): chr11:119,206,525, C>G. VCF-style: chr11-119206525-C-G. GRCh37 (hg19) VCF-style: chr11-119077235-C-G.
Other names: short protein forms H36Q.
Identifiers: ClinVar variation 663579 (VCV000663579.9), dbSNP rs748961080, ClinGen allele CA382976209.

ClinVar aggregate classification (germline): Uncertain significance (1 of 4 stars; one submission).

Conditions:
RASopathy. Also called: rasopathies; Noonan spectrum disorder. Identifiers: Orphanet 536391, MedGen C5555857, MONDO:0021060.

gnomAD v4.1: 3 of 1,519,134 alleles (0.0002%); highest among the groups gnomAD compares: Non-Finnish European, 0.00027%; no homozygotes.

Submission:

Labcorp Genetics (formerly Invitae), Labcorp
Classification: Uncertain significance for RASopathy. Last evaluated: 2018-07-08. Review status: criteria provided, single submitter. Criteria: Invitae Variant Classification Sherloc (09022015). Collection method: clinical testing. Allele origin: germline.
Comment: This sequence change replaces histidine with glutamine at codon 36 of the CBL protein (p.His36Gln). The histidine residue is moderately conserved and there is a small physicochemical difference between histidine and glutamine. In summary, the available evidence is currently insufficient to determine the role of this variant in disease. Therefore, it has been classified as a Variant of Uncertain Significance. Algorithms developed to predict the effect of missense changes on protein structure and function (SIFT, PolyPhen-2, Align-GVGD) all suggest that this variant is likely to be tolerated, but these predictions have not been confirmed by published functional studies and their clinical significance is uncertain. This variant has not been reported in the literature in individuals with CBL-related disease. This variant is not present in population databases (ExAC no frequency).